The following is an entry in ClinVar:

ClinVar aggregate classification (germline): Uncertain significance. Review status: criteria provided, multiple submitters, no conflicts (2 of 4 stars). 2 submissions from 2 submitters: Uncertain significance (2). Last evaluated 2023-09-18.

Conditions:
Hereditary cancer-predisposing syndrome. Also called: Tumor predisposition; Hereditary neoplastic syndrome; Neoplastic Syndromes, Hereditary; Hereditary Cancer Syndrome. Identifiers: Orphanet 140162, MedGen C0027672, MeSH D009386, MONDO:0015356.

Submissions (2):

Ambry Genetics
Classification: Uncertain significance for Hereditary cancer-predisposing syndrome. Last evaluated: 2023-09-18. Review status: criteria provided, single submitter. Criteria: Ambry Variant Classification Scheme 2023. Collection method: clinical testing. Allele origin: germline.
Comment: The p.H309R variant (also known as c.926A>G), located in coding exon 7 of the RAD50 gene, results from an A to G substitution at nucleotide position 926. The histidine at codon 309 is replaced by arginine, an amino acid with highly similar properties. This amino acid position is conserved. In addition, this alteration is predicted to be tolerated by in silico analysis. Since supporting evidence is limited at this time, the clinical significance of this alteration remains unclear.

Labcorp Genetics (formerly Invitae), Labcorp
Classification: Uncertain significance for Hereditary cancer-predisposing syndrome. Last evaluated: 2019-03-26. Review status: criteria provided, single submitter. Criteria: Invitae Variant Classification Sherloc (09022015). Collection method: clinical testing. Allele origin: germline.
Comment: In summary, the available evidence is currently insufficient to determine the role of this variant in disease. Therefore, it has been classified as a Variant of Uncertain Significance. Algorithms developed to predict the effect of missense changes on protein structure and function (SIFT, PolyPhen-2, Align-GVGD) all suggest that this variant is likely to be tolerated, but these predictions have not been confirmed by published functional studies and their clinical significance is uncertain. This variant has not been reported in the literature in individuals with RAD50-related conditions. This variant is not present in population databases (ExAC no frequency). This sequence change replaces histidine with arginine at codon 309 of the RAD50 protein (p.His309Arg). The histidine residue is moderately conserved and there is a small physicochemical difference between histidine and arginine.

NM_005732.4(RAD50):c.926A>G (p.His309Arg)

Gene: RAD50 (RAD50 double strand break repair protein; plus strand). Cytogenetic location: 5q31.1.
Variant type: single nucleotide variant.
Coding change: c.926A>G on transcript NM_005732.4 (MANE Select); coding-DNA position 926, A replaced by G.
Protein change: p.His309Arg; replaces histidine 309 with arginine.
Molecular consequence: missense variant.
Genome position (GRCh38, 1-based): chr5:132,587,964, A>G. VCF-style: chr5-132587964-A-G. GRCh37 (hg19) VCF-style: chr5-131923656-A-G.
Other names: short protein forms H309R.
Identifiers: ClinVar variation 952720 (VCV000952720.11), dbSNP rs1750624652, ClinGen allele CA360940947.